The following is an entry in ClinVar:

ClinVar aggregate classification (germline): Uncertain significance. Review status: criteria provided, multiple submitters, no conflicts (2 of 4 stars). 2 submissions from 2 submitters: Uncertain significance (2). Last evaluated 2025-10-21.

Conditions:
Inborn genetic diseases. Identifiers: MedGen C0950123, MeSH D030342.

Allele frequency attached by ClinVar (database versions not stated): ExAC 0.00002; gnomAD exomes 0.00002; TOPMed 0.00002; gnomAD 0.00005.
gnomAD v4.1: 75 of 1,614,022 alleles (0.0046%); highest among the groups gnomAD compares: Non-Finnish European, 0.0063%; no homozygotes.

Submissions (2):

Labcorp Genetics (formerly Invitae), Labcorp
Classification: Uncertain significance. Last evaluated: 2025-10-21. Review status: criteria provided, single submitter. Criteria: Invitae Variant Classification Sherloc (09022015). Collection method: clinical testing. Allele origin: germline.
Comment: This sequence change replaces threonine, which is neutral and polar, with asparagine, which is neutral and polar, at codon 405 of the SERPING1 protein (p.Thr405Asn). This variant is present in population databases (rs777750972, gnomAD 0.004%). This variant has not been reported in the literature in individuals affected with SERPING1-related conditions. ClinVar contains an entry for this variant (Variation ID: 1413762). Invitae Evidence Modeling of protein sequence and biophysical properties (such as structural, functional, and spatial information, amino acid conservation, physicochemical variation, residue mobility, and thermodynamic stability) has been performed for this missense variant. However, the output from this modeling did not meet the statistical confidence thresholds required to predict the impact of this variant on SERPING1 protein function. In summary, the available evidence is currently insufficient to determine the role of this variant in disease. Therefore, it has been classified as a Variant of Uncertain Significance.

Ambry Genetics
Classification: Uncertain significance for Inborn genetic diseases. Last evaluated: 2025-01-18. Review status: criteria provided, single submitter. Criteria: Ambry Variant Classification Scheme 2023. Collection method: clinical testing. Allele origin: germline.

NM_000062.3(SERPING1):c.1214C>A (p.Thr405Asn)

Gene: SERPING1 (serpin family G member 1; plus strand). Cytogenetic location: 11q12.1.
Variant type: single nucleotide variant.
Coding change: c.1214C>A on transcript NM_000062.3 (MANE Select); coding-DNA position 1214, C replaced by A.
Protein change: p.Thr405Asn; replaces threonine 405 with asparagine.
Molecular consequence: missense variant.
Genome position (GRCh38, 1-based): chr11:57,611,901, C>A. VCF-style: chr11-57611901-C-A. GRCh37 (hg19) VCF-style: chr11-57379374-C-A.
Other names: c.1214C>A (NM_000062.2); c.1214C>A, p.Thr405Asn (NM_001032295.2); short protein forms T405N.
Identifiers: ClinVar variation 1413762 (VCV001413762.10), dbSNP rs777750972, ClinGen allele CA6008244.